The following is an entry in ClinVar:

ClinVar aggregate classification (germline): Uncertain significance (1 of 4 stars; one submission).

gnomAD v4.1: 1 of 1,613,978 alleles (0.000062%); highest among the groups gnomAD compares: Middle Eastern, 0.017%; no homozygotes.

Submission:

Labcorp Genetics (formerly Invitae), Labcorp
Classification: Uncertain significance. Last evaluated: 2022-05-08. Review status: criteria provided, single submitter. Criteria: Invitae Variant Classification Sherloc (09022015). Collection method: clinical testing. Allele origin: germline.
Comment: This sequence change replaces proline, which is neutral and non-polar, with serine, which is neutral and polar, at codon 738 of the HPS3 protein (p.Pro738Ser). This variant is present in population databases (no rsID available, gnomAD 0.0009%). This variant has not been reported in the literature in individuals affected with HPS3-related conditions. Algorithms developed to predict the effect of missense changes on protein structure and function are either unavailable or do not agree on the potential impact of this missense change (SIFT: "Tolerated"; PolyPhen-2: "Probably Damaging"; Align-GVGD: "Class C0"). In summary, the available evidence is currently insufficient to determine the role of this variant in disease. Therefore, it has been classified as a Variant of Uncertain Significance.

NM_032383.5(HPS3):c.2212C>T (p.Pro738Ser)

Gene: HPS3 (HPS3 biogenesis of lysosomal organelles complex 2 subunit 1; plus strand). Cytogenetic location: 3q24.
Variant type: single nucleotide variant.
Coding change: c.2212C>T on transcript NM_032383.5 (MANE Select); coding-DNA position 2212, C replaced by T.
Protein change: p.Pro738Ser; replaces proline 738 with serine.
Molecular consequence: missense variant.
Genome position (GRCh38, 1-based): chr3:149,162,253, C>T. VCF-style: chr3-149162253-C-T. GRCh37 (hg19) VCF-style: chr3-148880040-C-T.
Other names: c.1717C>T, p.Pro573Ser (NM_001308258.2); short protein forms P738S, P573S.
Identifiers: ClinVar variation 1985183 (VCV001985183.4), dbSNP rs913384287, ClinGen allele CA354924058.